The following is an entry in ClinVar:

NM_001355436.2(SPTB):c.3428_3429dup (p.Glu1144fs)

Gene: SPTB (spectrin beta, erythrocytic; minus strand). Cytogenetic location: 14q23.3.
Variant type: Duplication.
Coding change: c.3428_3429dup on transcript NM_001355436.2 (MANE Select); coding-DNA positions 3428 to 3429, 2 bases duplicated (TG; older notation c.3428_3429dupTG).
Protein change: p.Glu1144fs; shifts the reading frame from glutamic acid 1144.
Molecular consequence: frameshift variant.
Genome position (GRCh38, 1-based): chr14:64,786,536-64,786,537, CA duplicated on the plus strand (TG on the coding strand, the reverse complement: SPTB is on the minus strand). VCF-style (leftmost placement, unchanged base first): chr14-64786535-C-CCA. GRCh37 (hg19) VCF-style: chr14-65253253-C-CCA.
Other names: c.3428_3429dup, p.Glu1144fs (NM_001024858.4, NM_001355437.2); short protein forms E1144fs.
Identifiers: ClinVar variation 3347591 (VCV003347591.1).

ClinVar aggregate classification (germline): Pathogenic (0 of 4 stars; one submission).

Conditions:
SPTB-related disorder. Also called: SPTB-related condition; SPTB-Related Disorders.

Submission:

PreventionGenetics, part of Exact Sciences
Classification: Pathogenic for SPTB-related condition. Last evaluated: 2024-08-05. Review status: no assertion criteria provided. Collection method: clinical testing. Allele origin: germline.
Comment: The SPTB c.3428_3429dupTG variant is predicted to result in a frameshift and premature protein termination (p.Glu1144Trpfs*83). To our knowledge, this variant has not been reported in the literature or in a large population database, indicating this variant is rare. Frameshift variants in SPTB are expected to be pathogenic. This variant is interpreted as pathogenic.